The following is an entry in ClinVar:

NM_000038.6(APC):c.5968A>T (p.Thr1990Ser)

Gene: APC (APC regulator of Wnt signaling pathway; plus strand). Cytogenetic location: 5q22.2.
Variant type: single nucleotide variant.
Coding change: c.5968A>T on transcript NM_000038.6 (MANE Select); coding-DNA position 5968, A replaced by T.
Protein change: p.Thr1990Ser; replaces threonine 1990 with serine.
Molecular consequence: missense variant.
Genome position (GRCh38, 1-based): chr5:112,841,562, A>T. VCF-style: chr5-112841562-A-T. GRCh37 (hg19) VCF-style: chr5-112177259-A-T.
Other names: c.5968A>T, p.Thr1990Ser (NM_001127510.3, NM_001354895.2); c.5914A>T, p.Thr1972Ser (NM_001127511.3); c.6022A>T, p.Thr2008Ser (NM_001354896.2); c.5998A>T, p.Thr2000Ser (NM_001354897.2); c.5893A>T, p.Thr1965Ser (NM_001354898.2); c.5884A>T, p.Thr1962Ser (NM_001354899.2); c.5845A>T, p.Thr1949Ser (NM_001354900.2); c.5791A>T, p.Thr1931Ser (NM_001354901.2); and 5 more; short protein forms T1972S, T1990S, T1830S, T1931S, T1965S, T1949S, T1707S, T2000S.
Identifiers: ClinVar variation 133512 (VCV000133512.21), dbSNP rs587778032, ClinGen allele CA010827.
Genomic context (GRCh38, chr5:112,841,562, plus strand): 5'-AGTTCTCTCAGTGACATTGACCAAGAAAACAACAATAAAGAAAATGAACCTATCAAAGAG[A>T]CTGAGCCCCCTGACTCACAGGGAGAACCAAGTAAACCTCAAGCATCAGGCTATGCTCCTA-3'
Protein context (NP_000029.2, residues 1980-2000): NNKENEPIKE[Thr1990Ser]EPPDSQGEPS

ClinVar aggregate classification (germline): Uncertain significance. Review status: criteria provided, multiple submitters, no conflicts (2 of 4 stars). 6 submissions from 6 submitters: Uncertain significance (5). 1 of the submissions does not count toward it. Last evaluated 2025-07-31.

Conditions:
Familial adenomatous polyposis 1 (FAP1). Also called: FAMILIAL ADENOMATOUS POLYPOSIS 1, ATTENUATED; POLYPOSIS, ADENOMATOUS INTESTINAL. Identifiers: MedGen C2713442, MONDO:0021056, OMIM 175100. Disease mechanism: loss of function.
Classic or attenuated familial adenomatous polyposis. Identifiers: MedGen CN372698, MONDO:0021057.
Hereditary cancer-predisposing syndrome. Also called: Tumor predisposition; Hereditary neoplastic syndrome; Neoplastic Syndromes, Hereditary; Hereditary Cancer Syndrome. Identifiers: Orphanet 140162, MedGen C0027672, MeSH D009386, MONDO:0015356.

Allele frequency attached by ClinVar (database versions not stated): gnomAD exomes below 0.00001.
gnomAD v4.1: 2 of 1,614,038 alleles (0.00012%); highest among the groups gnomAD compares: Non-Finnish European, 0.00017%; no homozygotes.

Submissions (6):

Labcorp Genetics (formerly Invitae), Labcorp
Classification: Uncertain significance for Familial adenomatous polyposis 1. Last evaluated: 2025-07-31. Review status: criteria provided, single submitter. Criteria: Invitae Variant Classification Sherloc (09022015). Collection method: clinical testing. Allele origin: germline.
Comment: This sequence change replaces threonine, which is neutral and polar, with serine, which is neutral and polar, at codon 1990 of the APC protein (p.Thr1990Ser). This variant is not present in population databases (gnomAD no frequency). This variant has not been reported in the literature in individuals affected with APC-related conditions. ClinVar contains an entry for this variant (Variation ID: 133512). Invitae Evidence Modeling of protein sequence and biophysical properties (such as structural, functional, and spatial information, amino acid conservation, physicochemical variation, residue mobility, and thermodynamic stability) indicates that this missense variant is not expected to disrupt APC protein function with a negative predictive value of 95%. In summary, the available evidence is currently insufficient to determine the role of this variant in disease. Therefore, it has been classified as a Variant of Uncertain Significance.

GeneDx
Classification: Uncertain significance. Last evaluated: 2024-12-30. Review status: criteria provided, single submitter. Criteria: GeneDx Variant Classification Process June 2021. Collection method: clinical testing. Allele origin: germline. Affected: yes.
Comment: Not observed at significant frequency in large population cohorts (gnomAD); In silico analysis indicates that this missense variant does not alter protein structure/function; Has not been previously published as pathogenic or benign to our knowledge; This variant is associated with the following publications: (PMID: 24728327, 18199528)

All of Us Research Program, National Institutes of Health
Classification: Uncertain significance for Classic or attenuated familial adenomatous polyposis. Last evaluated: 2023-06-26. Review status: criteria provided, single submitter. Criteria: ACMG Guidelines, 2015. Collection method: clinical testing. Allele origin: germline. Inheritance: Autosomal dominant inheritance. Observed: 1 variant allele, 1 heterozygote.
Comment: This missense variant replaces threonine with serine at codon 1990 of the APC protein. Computational prediction suggests that this variant may not impact protein structure and function (internally defined REVEL score threshold <= 0.5, PMID: 27666373). To our knowledge, functional studies have not been reported for this variant. This variant has not been reported in individuals affected with APC-related disorders in the literature. This variant has not been identified in the general population by the Genome Aggregation Database (gnomAD). The available evidence is insufficient to determine the role of this variant in disease conclusively. Therefore, this variant is classified as a Variant of Uncertain Significance.

This study involves interpretation of variants in research participants for the purpose of population health screening. Participant phenotype was not available at the time of variant classification. Additional details can be found in publication PMID: 35346344, PMCID: PMC8962531

Color Diagnostics, LLC DBA Color Health
Classification: Uncertain significance for Hereditary cancer-predisposing syndrome. Last evaluated: 2023-06-01. Review status: criteria provided, single submitter. Criteria: ACMG Guidelines, 2015. Collection method: clinical testing. Allele origin: germline.
Comment: This missense variant replaces threonine with serine at codon 1990 of the APC protein. Computational prediction suggests that this variant may not impact protein structure and function (internally defined REVEL score threshold <= 0.5, PMID: 27666373). To our knowledge, functional studies have not been reported for this variant. This variant has not been reported in individuals affected with APC-related disorders in the literature. This variant has not been identified in the general population by the Genome Aggregation Database (gnomAD). The available evidence is insufficient to determine the role of this variant in disease conclusively. Therefore, this variant is classified as a Variant of Uncertain Significance.

Ambry Genetics
Classification: Uncertain significance for Hereditary cancer-predisposing syndrome. Last evaluated: 2021-11-24. Review status: criteria provided, single submitter. Criteria: Ambry Variant Classification Scheme 2023. Collection method: clinical testing. Allele origin: germline.
Comment: The p.T1990S variant (also known as c.5968A>T), located in coding exon 15 of the APC gene, results from an A to T substitution at nucleotide position 5968. The threonine at codon 1990 is replaced by serine, an amino acid with similar properties. This amino acid position is not well conserved in available vertebrate species. In addition, in silico predictors for this gene do not accurately predict pathogenicity. Since supporting evidence is limited at this time, the clinical significance of this alteration remains unclear.

ITMI
No classification provided. Condition: AllHighlyPenetrant. Last evaluated: 2013-09-19. Review status: no classification provided. Collection method: reference population. Allele origin: germline. Not counted in ClinVar's aggregate classification.
Comment: Please see associated publication for description of ethnicities

Literature cited by the submitters: PubMed 24728327 (cited by ITMI).